The following is an entry in ClinVar:

ClinVar aggregate classification (germline): Conflicting classifications of pathogenicity. Review status: criteria provided, conflicting classifications (1 of 4 stars). 7 submissions from 7 submitters: Uncertain significance (1); Benign (4); Likely benign (2). Last evaluated 2026-01-27.

Conditions:
Hirschsprung disease, susceptibility to, 2. Identifiers: Orphanet 388, MedGen C1838564, MONDO:0010833, OMIM 600155.

Allele frequency attached by ClinVar (database versions not stated): gnomAD exomes 0.00033 and 0.00080; ExAC 0.00105; 1000 Genomes Project 0.00200; 1000 Genomes Project 30x 0.00203; gnomAD 0.00322 and 0.00348; TOPMed 0.00346; ESP Exome Variant Server 0.00438.
gnomAD v4.1: 1,021 of 1,612,874 alleles (0.063%); highest among the groups gnomAD compares: African/African-American, 1.1%; 10 homozygotes.

Submissions (7):

Labcorp Genetics (formerly Invitae), Labcorp
Classification: Benign. Last evaluated: 2026-01-27. Review status: criteria provided, single submitter. Criteria: Invitae Variant Classification Sherloc (09022015). Collection method: clinical testing. Allele origin: germline.

CeGaT Center for Human Genetics Tuebingen
Classification: Likely benign. Last evaluated: 2025-10-01. Review status: criteria provided, single submitter. Criteria: CeGaT Center For Human Genetics Tuebingen Variant Classification Criteria Version 2. Collection method: clinical testing. Allele origin: germline. Affected: yes. Observed: 1 variant allele.
Comment: EDNRB: BS1

Blueprint Genetics
Classification: Likely benign. Last evaluated: 2024-07-09. Review status: criteria provided, single submitter. Criteria: ACMG Guidelines, 2015. Collection method: clinical testing. Allele origin: germline.

GeneDx
Classification: Benign. Last evaluated: 2020-03-17. Review status: criteria provided, single submitter. Criteria: GeneDx Variant Classification Process June 2021. Collection method: clinical testing. Allele origin: germline. Affected: yes.

Illumina Laboratory Services, Illumina
Classification: Uncertain significance for Hirschsprung disease, susceptibility to, 2. Last evaluated: 2018-01-13. Review status: criteria provided, single submitter. Criteria: ICSL Variant Classification Criteria 13 December 2019. Collection method: clinical testing. Allele origin: germline.

Laboratory for Molecular Medicine, Mass General Brigham Personalized Medicine
Classification: Benign. Last evaluated: 2014-11-24. Review status: criteria provided, single submitter. Criteria: LMM Criteria. Collection method: clinical testing. Allele origin: germline. Observed: 2 variant alleles.
Comment: Thr334Met in exon 4 of EDNRB: This variant is not expected to have clinical sign ificance because it has been identified in 1.2% (55/4406) of African American ch romosomes from a broad population by the NHLBI Exome Sequencing Project (dbSNP rs5350).

PreventionGenetics, part of Exact Sciences
Classification: Benign. Review status: criteria provided, single submitter. Criteria: ACMG Guidelines, 2015. Collection method: clinical testing. Allele origin: germline.

NM_001122659.3(EDNRB):c.731C>T (p.Thr244Met)

Genes: EDNRB (endothelin receptor type B; minus strand), EDNRB-AS1 (EDNRB antisense RNA 1; plus strand). Cytogenetic location: 13q22.3.
Variant type: single nucleotide variant.
Coding change: c.731C>T on transcript NM_001122659.3 (MANE Select); coding-DNA position 731, C replaced by T.
Protein change: p.Thr244Met; replaces threonine 244 with methionine.
Molecular consequence: missense variant.
Genome position (GRCh38, 1-based): chr13:77,903,226, G>A on the plus strand (C>T on the coding strand, the complement: EDNRB is on the minus strand). VCF-style: chr13-77903226-G-A. GRCh37 (hg19) VCF-style: chr13-78477361-G-A.
Other names: c.731C>T, p.Thr244Met (NM_000115.5, NM_003991.4); c.1001C>T, p.Thr334Met (NM_001201397.2); short protein forms T244M, T334M.
Identifiers: ClinVar variation 255141 (VCV000255141.28), dbSNP rs5350, ClinGen allele CA7012280.